The following is an entry in ClinVar:

ClinVar aggregate classification (germline): Likely benign. Review status: criteria provided, single submitter (1 of 4 stars). 2 submissions from 2 submitters: Likely benign (1). 1 of the submissions does not count toward it. Last evaluated 2024-08-23.

Conditions:
VPS13D-related disorder. Also called: VPS13D-related condition.

Allele frequency attached by ClinVar (database versions not stated): gnomAD exomes below 0.00001; ExAC 0.00003; ESP Exome Variant Server 0.00008; TOPMed 0.00008; gnomAD 0.00009.
gnomAD v4.1: 20 of 1,614,072 alleles (0.0012%); highest among the groups gnomAD compares: African/African-American, 0.024%; no homozygotes.

Submissions (2):

Labcorp Genetics (formerly Invitae), Labcorp
Classification: Likely benign. Last evaluated: 2024-08-23. Review status: criteria provided, single submitter. Criteria: Invitae Variant Classification Sherloc (09022015). Collection method: clinical testing. Allele origin: germline.

PreventionGenetics, part of Exact Sciences
Classification: Likely benign for VPS13D-related condition. Last evaluated: 2019-03-01. Review status: no assertion criteria provided. Collection method: clinical testing. Allele origin: germline. Not counted in ClinVar's aggregate classification.
Comment: This variant is classified as likely benign based on ACMG/AMP sequence variant interpretation guidelines (Richards et al. 2015 PMID: 25741868, with internal and published modifications).

NM_015378.4(VPS13D):c.3627C>T (p.Ser1209=)

Gene: VPS13D (vacuolar protein sorting 13 homolog D; plus strand). Cytogenetic location: 1p36.22.
Variant type: single nucleotide variant.
Coding change: c.3627C>T on transcript NM_015378.4 (MANE Select); coding-DNA position 3627, C replaced by T.
Protein change: p.Ser1209=; no amino-acid change (serine 1209 retained).
Molecular consequence: synonymous variant.
Genome position (GRCh38, 1-based): chr1:12,277,215, C>T. VCF-style: chr1-12277215-C-T. GRCh37 (hg19) VCF-style: chr1-12337272-C-T.
Other names: c.3627C>T, p.Ser1209= (NM_018156.4).
Identifiers: ClinVar variation 3058394 (VCV003058394.4), dbSNP rs368685479, ClinGen allele CA601997.
Genomic context (GRCh38, chr1:12,277,215, plus strand): 5'-TGGCAGAAAAATTGCAACTGCAAGTATAGGTGGCACCAAAGTTAATGTCTCAATGGGTAG[C>T]ACGTTTGACATGAATGGTTCTCTTGGCTGTTTACAGCTTATGGATTTGACACAAGATAAC-3'
Protein context (NP_056193.2, residues 1199-1219): GGTKVNVSMG[Ser1209=]TFDMNGSLGC